The following is an entry in ClinVar:

ClinVar aggregate classification (germline): Conflicting classifications of pathogenicity. Review status: criteria provided, conflicting classifications (1 of 4 stars). 5 submissions from 5 submitters: Uncertain significance (2); Benign (1); Likely benign (2). Last evaluated 2025-01-29.

Conditions:
Hereditary cancer-predisposing syndrome. Also called: Neoplastic Syndromes, Hereditary; Tumor predisposition; Hereditary Cancer Syndrome; Hereditary neoplastic syndrome. Identifiers: Orphanet 140162, MedGen C0027672, MeSH D009386, MONDO:0015356.
Familial adenomatous polyposis 1 (FAP1). Also called: FAMILIAL ADENOMATOUS POLYPOSIS 1, ATTENUATED; POLYPOSIS, ADENOMATOUS INTESTINAL. Identifiers: MedGen C2713442, MONDO:0021056, OMIM 175100. Disease mechanism: loss of function.

Allele frequency attached by ClinVar (database versions not stated): gnomAD below 0.00001 and 0.00001; TOPMed below 0.00001; ExAC 0.00003; 1000 Genomes Project 30x 0.00016; 1000 Genomes Project 0.00020.
gnomAD v4.1: 18 of 1,614,002 alleles (0.0011%); highest among the groups gnomAD compares: South Asian, 0.02%; no homozygotes.

Submissions (5):

Myriad Genetics, Inc.
Classification: Likely benign for Familial adenomatous polyposis 1. Last evaluated: 2025-01-29. Review status: criteria provided, single submitter. Criteria: Myriad Autosomal Dominant, Autosomal Recessive and X-Linked Classification Criteria (2023). Collection method: clinical testing. Allele origin: unknown.
Comment: This variant is considered likely benign. This variant has been observed at a population frequency that is significantly greater than expected given the associated disease prevalence and penetrance.

Labcorp Genetics (formerly Invitae), Labcorp
Classification: Likely benign for Familial adenomatous polyposis 1. Last evaluated: 2024-11-12. Review status: criteria provided, single submitter. Criteria: Invitae Variant Classification Sherloc (09022015). Collection method: clinical testing. Allele origin: germline.

Revvity Omics, Revvity
Classification: Uncertain significance. Last evaluated: 2024-03-28. Review status: criteria provided, single submitter. Criteria: ACMG Guidelines, 2015. Collection method: clinical testing. Allele origin: germline.

Color Diagnostics, LLC DBA Color Health
Classification: Uncertain significance for Hereditary cancer-predisposing syndrome. Last evaluated: 2024-03-07. Review status: criteria provided, single submitter. Criteria: ACMG Guidelines, 2015. Collection method: clinical testing. Allele origin: germline.
Comment: This missense variant replaces glycine with alanine at codon 877 of the APC protein. Computational prediction tool suggests that this variant may not impact protein structure and function (internally defined REVEL score threshold <=0.5, PMID: 27666373). Splice site prediction tools suggest that this variant may not impact RNA splicing. To our knowledge, functional studies have not been performed for this variant. This variant has not been reported in individuals affected with hereditary cancer in the literature. This variant has been identified in 8/250790 chromosomes in the general population by the Genome Aggregation Database (gnomAD). The available evidence is insufficient to determine the role of this variant in disease conclusively. Therefore, this variant is classified as a Variant of Uncertain Significance.

Ambry Genetics
Classification: Benign for Hereditary cancer-predisposing syndrome. Last evaluated: 2022-10-18. Review status: criteria provided, single submitter. Criteria: Ambry Variant Classification Scheme 2023. Collection method: clinical testing. Allele origin: germline.

NM_000038.6(APC):c.2630G>C (p.Gly877Ala)

Gene: APC (APC regulator of Wnt signaling pathway; plus strand). Cytogenetic location: 5q22.2.
Variant type: single nucleotide variant.
Coding change: c.2630G>C on transcript NM_000038.6 (MANE Select); coding-DNA position 2630, G replaced by C.
Protein change: p.Gly877Ala; replaces glycine 877 with alanine.
Molecular consequence: missense variant.
Genome position (GRCh38, 1-based): chr5:112,838,224, G>C. VCF-style: chr5-112838224-G-C. GRCh37 (hg19) VCF-style: chr5-112173921-G-C.
Other names: c.2630G>C, p.Gly877Ala (NM_001127510.3, NM_001354895.2); c.2576G>C, p.Gly859Ala (NM_001127511.3); c.2684G>C, p.Gly895Ala (NM_001354896.2); c.2660G>C, p.Gly887Ala (NM_001354897.2); c.2555G>C, p.Gly852Ala (NM_001354898.2); c.2546G>C, p.Gly849Ala (NM_001354899.2); c.2507G>C, p.Gly836Ala (NM_001354900.2); c.2453G>C, p.Gly818Ala (NM_001354901.2); and 5 more; short protein forms G877A, G859A, G594A, G852A, G887A, G751A, G818A, G776A.
Identifiers: ClinVar variation 482506 (VCV000482506.22), dbSNP rs558732083, ClinGen allele CA032861.
Genomic context (GRCh38, chr5:112,838,224, plus strand): 5'-GAATTGGTCTAGGCAACTACCATCCAGCAACAGAAAATCCAGGAACTTCTTCAAAGCGAG[G>C]TTTGCAGATCTCCACCACTGCAGCCCAGATTGCCAAAGTCATGGAAGAAGTGTCAGCCAT-3'
Protein context (NP_000029.2, residues 867-887): TENPGTSSKR[Gly877Ala]LQISTTAAQI